The following is an entry in ClinVar:

ClinVar aggregate classification (germline): Uncertain significance (1 of 4 stars; one submission).

Conditions:
Fanconi anemia (FA). Also called: Fanconi's anemia. Identifiers: Orphanet 84, MedGen C0015625, MeSH D005199, MONDO:0019391.

Allele frequency attached by ClinVar (database versions not stated): gnomAD 0.00001; gnomAD exomes 0.00001; TOPMed 0.00003.
gnomAD v4.1: 11 of 1,563,934 alleles (0.0007%); highest among the groups gnomAD compares: Middle Eastern, 0.021%; no homozygotes.

Submission:

Labcorp Genetics (formerly Invitae), Labcorp
Classification: Uncertain significance for Fanconi anemia. Last evaluated: 2022-07-03. Review status: criteria provided, single submitter. Criteria: Invitae Variant Classification Sherloc (09022015). Collection method: clinical testing. Allele origin: germline.
Comment: This sequence change replaces glutamic acid, which is acidic and polar, with aspartic acid, which is acidic and polar, at codon 95 of the FANCD2 protein (p.Glu95Asp). This variant is present in population databases (no rsID available, gnomAD 0.004%). This variant has not been reported in the literature in individuals affected with FANCD2-related conditions. Algorithms developed to predict the effect of missense changes on protein structure and function (SIFT, PolyPhen-2, Align-GVGD) all suggest that this variant is likely to be tolerated. In summary, the available evidence is currently insufficient to determine the role of this variant in disease. Therefore, it has been classified as a Variant of Uncertain Significance.

NM_001018115.3(FANCD2):c.285A>C (p.Glu95Asp)

Genes: FANCD2 (FA complementation group D2; plus strand), LOC107303338 (3p25 FANCD2 Alu-mediated recombination region; plus strand). Cytogenetic location: 3p25.3.
Variant type: single nucleotide variant.
Coding change: c.285A>C on transcript NM_001018115.3 (MANE Select); coding-DNA position 285, A replaced by C.
Protein change: p.Glu95Asp; replaces glutamic acid 95 with aspartic acid.
Molecular consequence: missense variant.
Genome position (GRCh38, 1-based): chr3:10,034,706, A>C. VCF-style: chr3-10034706-A-C. GRCh37 (hg19) VCF-style: chr3-10076390-A-C.
Other names: c.285A>C, p.Glu95Asp (NM_001319984.2, NM_001374253.1, NM_001374254.1 and 2 more transcripts); short protein forms E95D.
Identifiers: ClinVar variation 2042700 (VCV002042700.1), dbSNP rs1184768610, ClinGen allele CA351720520.
Genomic context (GRCh38, chr3:10,034,706, plus strand): 5'-ATATTAAACTAAAAATTTTATTCTTTTTTATTTTTTAAATCTCCTTAAGATAATAGAAGA[A>C]TTTGTTAGTGGCCTGGAGTCTTACATTGAGGATGAAGACAGTTTCAGGAACTGCCTTTTG-3'
Protein context (NP_001018125.1, residues 85-105): RHPSYPKIIE[Glu95Asp]FVSGLESYIE